The following is an entry in ClinVar:

ClinVar aggregate classification (germline): Benign. Review status: criteria provided, multiple submitters, no conflicts (2 of 4 stars). 3 submissions from 3 submitters: Benign (2). 1 of the submissions does not count toward it. Last evaluated 2026-02-02.

Conditions:
FAT2-related disorder. Also called: FAT2-related condition.

Allele frequency attached by ClinVar (database versions not stated): 1000 Genomes Project 30x 0.17630; TOPMed 0.22961; 1000 Genomes Project 0.17412; ExAC 0.20856; gnomAD exomes 0.23761 and 0.21066; ESP Exome Variant Server 0.24320; gnomAD 0.23234 and 0.22643.
gnomAD v4.1: 382,010 of 1,613,798 alleles (24%); highest among the groups gnomAD compares: Non-Finnish European, 25%; 47,105 homozygotes.

Submissions (3):

Labcorp Genetics (formerly Invitae), Labcorp
Classification: Benign. Last evaluated: 2026-02-02. Review status: criteria provided, single submitter. Criteria: Invitae Variant Classification Sherloc (09022015). Collection method: clinical testing. Allele origin: germline.

GeneDx
Classification: Benign. Last evaluated: 2021-05-04. Review status: criteria provided, single submitter. Criteria: GeneDx Variant Classification Process June 2021. Collection method: clinical testing. Allele origin: germline. Affected: yes.

PreventionGenetics, part of Exact Sciences
Classification: Benign for FAT2-related condition. Last evaluated: 2019-10-28. Review status: no assertion criteria provided. Collection method: clinical testing. Allele origin: germline. Not counted in ClinVar's aggregate classification.
Comment: This variant is classified as benign based on ACMG/AMP sequence variant interpretation guidelines (Richards et al. 2015 PMID: 25741868, with internal and published modifications).

NM_001447.3(FAT2):c.10437G>A (p.Pro3479=)

Genes: SLC36A1 (solute carrier family 36 member 1; plus strand), FAT2 (FAT atypical cadherin 2; minus strand). Cytogenetic location: 5q33.1.
Variant type: single nucleotide variant.
Coding change: c.10437G>A on transcript NM_001447.3 (MANE Select); coding-DNA position 10437, G replaced by A.
Protein change: p.Pro3479=; no amino-acid change (proline 3479 retained).
Molecular consequence: synonymous variant.
Genome position (GRCh38, 1-based): chr5:151,525,837, C>T on the plus strand (G>A on the coding strand, the complement: FAT2 is on the minus strand). VCF-style: chr5-151525837-C-T. GRCh37 (hg19) VCF-style: chr5-150905398-C-T.
Identifiers: ClinVar variation 1273158 (VCV001273158.8), dbSNP rs3734051, ClinGen allele CA3520252.